The following is an entry in ClinVar:

NM_003331.5(TYK2):c.1747C>T (p.Arg583Trp)

Gene: TYK2 (tyrosine kinase 2; minus strand). Cytogenetic location: 19p13.2.
Variant type: single nucleotide variant.
Coding change: c.1747C>T on transcript NM_003331.5 (MANE Select); coding-DNA position 1747, C replaced by T.
Protein change: p.Arg583Trp; replaces arginine 583 with tryptophan.
Molecular consequence: missense variant.
Genome position (GRCh38, 1-based): chr19:10,362,104, G>A on the plus strand (C>T on the coding strand, the complement: TYK2 is on the minus strand). VCF-style: chr19-10362104-G-A. GRCh37 (hg19) VCF-style: chr19-10472780-G-A.
Other names: c.1747C>T, p.Arg583Trp (NM_001385197.1, NM_001385198.1, NM_001385199.1 and 6 more transcripts); c.1549C>T, p.Arg517Trp (NM_001385201.1); c.1657C>T, p.Arg553Trp (NM_001385205.1); c.1621C>T, p.Arg541Trp (NM_001385206.1); short protein forms R517W, R553W, R583W, R541W.
Identifiers: ClinVar variation 1907829 (VCV001907829.5), dbSNP rs746612618, ClinGen allele CA9193318.

ClinVar aggregate classification (germline): Uncertain significance (1 of 4 stars; one submission).

Conditions:
Immunodeficiency 35 (IMD35). Also called: TYK2 DEFICIENCY; HIES WITH ATYPICAL MYCOBACTERIOSIS, AUTOSOMAL RECESSIVE; HYPER-IgE SYNDROME WITH ATYPICAL MYCOBACTERIOSIS, AUTOSOMAL RECESSIVE; Susceptibility to infection due to TYK2 deficiency. Identifiers: Orphanet 331226, MedGen C1969086, MONDO:0012682, OMIM 611521.

Allele frequency attached by ClinVar (database versions not stated): gnomAD 0.00001; gnomAD exomes 0.00001; TOPMed 0.00001; ExAC 0.00004.
gnomAD v4.1: 16 of 1,613,976 alleles (0.00099%); highest among the groups gnomAD compares: East Asian, 0.0067%; no homozygotes.

Submission:

Labcorp Genetics (formerly Invitae), Labcorp
Classification: Uncertain significance for Immunodeficiency 35. Last evaluated: 2022-05-30. Review status: criteria provided, single submitter. Criteria: Invitae Variant Classification Sherloc (09022015). Collection method: clinical testing. Allele origin: germline.
Comment: This sequence change replaces arginine, which is basic and polar, with tryptophan, which is neutral and slightly polar, at codon 583 of the TYK2 protein (p.Arg583Trp). This variant is present in population databases (rs746612618, gnomAD 0.02%). This variant has not been reported in the literature in individuals affected with TYK2-related conditions. Algorithms developed to predict the effect of missense changes on protein structure and function are either unavailable or do not agree on the potential impact of this missense change (SIFT: "Not Available"; PolyPhen-2: "Possibly Damaging"; Align-GVGD: "Not Available"). In summary, the available evidence is currently insufficient to determine the role of this variant in disease. Therefore, it has been classified as a Variant of Uncertain Significance.